The following is an entry in ClinVar:

ClinVar aggregate classification (germline): Likely benign (1 of 4 stars; one submission).

Allele frequency attached by ClinVar (database versions not stated): gnomAD 0.01388; TOPMed 0.01524; 1000 Genomes Project 0.01577; 1000 Genomes Project 30x 0.01858.

Submission:

GeneDx
Classification: Likely benign. Last evaluated: 2021-05-11. Review status: criteria provided, single submitter. Criteria: GeneDx Variant Classification Process June 2021. Collection method: clinical testing. Allele origin: germline. Affected: yes.
Comment: See Variant Classification Assertion Criteria.

NC_000007.14:g.56106506G>T

Genes: CHCHD2 (coiled-coil-helix-coiled-coil-helix domain containing 2; minus strand), LOC129998502 (ATAC-STARR-seq lymphoblastoid active region 26053; plus strand). Cytogenetic location: 7p11.2.
Variant type: single nucleotide variant.
Genome position: GRCh38 VCF-style: chr7-56106506-G-T. GRCh37 (hg19) VCF-style: chr7-56174199-G-T.
Identifiers: ClinVar variation 1706796 (VCV001706796.2), dbSNP rs60847483, ClinGen allele CA159704466.